The following is an entry in ClinVar:

ClinVar aggregate classification (germline): Uncertain significance (1 of 4 stars; one submission).

Submission:

GeneDx
Classification: Uncertain significance. Last evaluated: 2024-04-05. Review status: criteria provided, single submitter. Criteria: GeneDx Variant Classification Process June 2021. Collection method: clinical testing. Allele origin: germline.
Comment: Not observed at significant frequency in large population cohorts (gnomAD); In silico analysis supports that this missense variant has a deleterious effect on protein structure/function; Has not been previously published as pathogenic or benign to our knowledge

NM_012281.3(KCND2):c.393C>G (p.Asp131Glu)

Gene: KCND2 (potassium voltage-gated channel subfamily D member 2; plus strand). Cytogenetic location: 7q31.31.
Variant type: single nucleotide variant.
Coding change: c.393C>G on transcript NM_012281.3 (MANE Select); coding-DNA position 393, C replaced by G.
Protein change: p.Asp131Glu; replaces aspartic acid 131 with glutamic acid.
Molecular consequence: missense variant.
Genome position (GRCh38, 1-based): chr7:120,275,025, C>G. VCF-style: chr7-120275025-C-G. GRCh37 (hg19) VCF-style: chr7-119915079-C-G.
Other names: short protein forms D131E.
Identifiers: ClinVar variation 1810701 (VCV001810701.2), dbSNP rs2546907150, ClinGen allele CA369131499.
Genomic context (GRCh38, chr7:120,275,025, plus strand): 5'-CATCTCTGCTTACGATGAAGAACTGGCCTTCTTTGGCCTCATCCCGGAAATCATCGGCGA[C>G]TGCTGTTATGAGGAGTACAAGGATCGCAGGCGAGAGAACGCCGAGCGCCTGCAGGACGAC-3'
Protein context (NP_036413.1, residues 121-141): FFGLIPEIIG[Asp131Glu]CCYEEYKDRR